The following is an entry in ClinVar:

NM_032982.4(CASP2):c.87G>A (p.Val29=)

Gene: CASP2 (caspase 2; plus strand). Cytogenetic location: 7q34.
Variant type: single nucleotide variant.
Coding change: c.87G>A on transcript NM_032982.4 (MANE Select); coding-DNA position 87, G replaced by A.
Protein change: p.Val29=; no amino-acid change (valine 29 retained).
Molecular consequence: synonymous variant. On other transcripts: 5 prime UTR variant (1).
Genome position (GRCh38, 1-based): chr7:143,291,552, G>A. VCF-style: chr7-143291552-G-A. GRCh37 (hg19) VCF-style: chr7-142988645-G-A.
Other names: c.-7G>A (NM_001224.5); c.87G>A, p.Val29= (NM_032983.4).
Identifiers: ClinVar variation 715721 (VCV000715721.18), dbSNP rs192384558, ClinGen allele CA4536336.

ClinVar aggregate classification (germline): Benign. Review status: criteria provided, multiple submitters, no conflicts (2 of 4 stars). 3 submissions from 3 submitters: Benign (3). Last evaluated 2026-09-01.

Allele frequency attached by ClinVar (database versions not stated): ESP Exome Variant Server 0.00023; gnomAD exomes 0.00054 and 0.00238; gnomAD 0.00098 and 0.00109; TOPMed 0.00118; ExAC 0.00166; 1000 Genomes Project 0.00260; 1000 Genomes Project 30x 0.00297.

Submissions (3):

CeGaT Center for Human Genetics Tuebingen
Classification: Benign. Last evaluated: 2026-09-01. Review status: criteria provided, single submitter. Criteria: CeGaT Center For Human Genetics Tuebingen Variant Classification Criteria Version 2. Collection method: clinical testing. Allele origin: germline. Affected: yes. Observed: 6 variant alleles.
Comment: CASP2: BP4, BP7, BS1, BS2

Labcorp Genetics (formerly Invitae), Labcorp
Classification: Benign. Last evaluated: 2019-12-31. Review status: criteria provided, single submitter. Criteria: Invitae Variant Classification Sherloc (09022015). Collection method: clinical testing. Allele origin: germline.

Breakthrough Genomics
Classification: Benign. Review status: criteria provided, single submitter. Criteria: ACMG Guidelines, 2015. Collection method: not provided. Allele origin: germline. Inheritance: Unknown mechanism. Affected: yes.